The following is an entry in ClinVar:

NM_001953.5(TYMP):c.231del (p.Ile78fs)

Genes: TYMP (thymidine phosphorylase; minus strand), LOC130067864 (ATAC-STARR-seq lymphoblastoid active region 19325; plus strand). Cytogenetic location: 22q13.33.
Variant type: Deletion.
Coding change: c.231del on transcript NM_001953.5 (MANE Select); coding-DNA position 231, one base deleted (C; older notation c.231delC).
Protein change: p.Ile78fs; shifts the reading frame from isoleucine 78.
Molecular consequence: frameshift variant.
Genome position (GRCh38, 1-based): chr22:50,529,322, G deleted on the plus strand (C on the coding strand, the reverse complement: TYMP is on the minus strand); the first of 2 consecutive G bases (chr22:50,529,322-50,529,323); deleting either gives the same sequence. VCF-style (leftmost placement, unchanged base first): chr22-50529321-TG-T. GRCh37 (hg19) VCF-style: chr22-50967750-TG-T.
Other names: c.231del, p.Ile78fs (NM_001113755.3, NM_001113756.3, NM_001257988.1 and 1 more transcripts); short protein forms I78fs.
Identifiers: ClinVar variation 2030165 (VCV002030165.4), dbSNP rs2522547664, ClinGen allele CA2580100036.

ClinVar aggregate classification (germline): Pathogenic (1 of 4 stars; one submission).

Submission:

Labcorp Genetics (formerly Invitae), Labcorp
Classification: Pathogenic. Last evaluated: 2022-09-13. Review status: criteria provided, single submitter. Criteria: Invitae Variant Classification Sherloc (09022015). Collection method: clinical testing. Allele origin: germline.
Comment: This sequence change creates a premature translational stop signal (p.Ile78Serfs*14) in the TYMP gene. It is expected to result in an absent or disrupted protein product. Loss-of-function variants in TYMP are known to be pathogenic (PMID: 9924029, 15781193). This variant is not present in population databases (gnomAD no frequency). For these reasons, this variant has been classified as Pathogenic. This variant has not been reported in the literature in individuals affected with TYMP-related conditions.

Literature cited by the submitters: PubMed 9924029; PubMed 15781193.